The following is an entry in ClinVar:

NM_000368.5(TSC1):c.2729del (p.Leu910fs)

Gene: TSC1 (TSC complex subunit 1; minus strand). Cytogenetic location: 9q34.13.
Variant type: Deletion.
Coding change: c.2729del on transcript NM_000368.5 (MANE Select); coding-DNA position 2729, one base deleted (T; older notation c.2729delT).
Protein change: p.Leu910fs; shifts the reading frame from leucine 910.
Molecular consequence: frameshift variant. On other transcripts: non-coding transcript variant (5).
Genome position (GRCh38, 1-based): chr9:132,897,507, A deleted on the plus strand (T on the coding strand, the reverse complement: TSC1 is on the minus strand); the first of 4 consecutive A bases (chr9:132,897,507-132,897,510); deleting any one gives the same sequence. VCF-style (leftmost placement, unchanged base first): chr9-132897506-CA-C. GRCh37 (hg19) VCF-style: chr9-135772893-CA-C.
Other names: c.2714del, p.Leu905fs (NM_001406601.1, NM_001406602.1); c.2711del, p.Leu904fs (NM_001406603.1, NM_001406604.1); c.2687del, p.Leu896fs (NM_001406605.1, NM_001406606.1, NM_001406607.1); c.2684del, p.Leu895fs (NM_001406608.1, NM_001406609.1); c.2576del, p.Leu859fs (NM_001406610.1, NM_001162427.2); c.2573del, p.Leu858fs (NM_001406611.1, NM_001406612.1); c.2531del, p.Leu844fs (NM_001406613.1); c.2366del, p.Leu789fs (NM_001406614.1, NM_001406615.1, NM_001406616.1 and 4 more transcripts); and 9 more; short protein forms L844fs, L904fs, L905fs, L909fs, L910fs, L593fs, L788fs, L774fs.
Identifiers: ClinVar variation 5031251 (VCV005031251.1).

ClinVar aggregate classification (germline): Pathogenic (1 of 4 stars; one submission).

Conditions:
Hereditary cancer-predisposing syndrome. Also called: Neoplastic Syndromes, Hereditary; Tumor predisposition; Hereditary neoplastic syndrome; Hereditary Cancer Syndrome. Identifiers: Orphanet 140162, MedGen C0027672, MeSH D009386, MONDO:0015356.

Submission:

Ambry Genetics
Classification: Pathogenic for Hereditary cancer-predisposing syndrome. Last evaluated: 2026-08-10. Review status: criteria provided, single submitter. Criteria: Ambry Variant Classification Scheme 2023. Collection method: clinical testing. Allele origin: germline.
Comment: The c.2729delT pathogenic mutation, located in coding exon 19 of the TSC1 gene, results from a deletion of one nucleotide at nucleotide position 2729, causing a translational frameshift with a predicted alternate stop codon (p.L910Wfs*21). This variant is considered to be rare based on population cohorts in the Genome Aggregation Database (gnomAD). This alteration is expected to result in loss of function by premature protein truncation or nonsense-mediated mRNA decay. As such, this alteration is interpreted as a disease-causing mutation.